The following is an entry in ClinVar:

NM_018706.7(DHTKD1):c.2447T>C (p.Leu816Pro)

Gene: DHTKD1 (dehydrogenase E1 and transketolase domain containing 1; plus strand). Cytogenetic location: 10p14.
Variant type: single nucleotide variant.
Coding change: c.2447T>C on transcript NM_018706.7 (MANE Select); coding-DNA position 2447, T replaced by C.
Protein change: p.Leu816Pro; replaces leucine 816 with proline.
Molecular consequence: missense variant.
Genome position (GRCh38, 1-based): chr10:12,118,793, T>C. VCF-style: chr10-12118793-T-C. GRCh37 (hg19) VCF-style: chr10-12160792-T-C.
Other names: short protein forms L816P.
Identifiers: ClinVar variation 2825322 (VCV002825322.3), dbSNP rs1833467337, ClinGen allele CA376016210.

ClinVar aggregate classification (germline): Uncertain significance (1 of 4 stars; one submission).

Conditions:
2-aminoadipic 2-oxoadipic aciduria (AAKAD). Also called: Aminoadipic aciduria; ALPHA-AMINOADIPIC AND ALPHA-KETOADIPIC ACIDURIA. Identifiers: Orphanet 79154, MedGen C1859817, MONDO:0008774, OMIM 204750.

gnomAD v4.1: 2 of 1,606,596 alleles (0.00012%); highest among the groups gnomAD compares: African/African-American, 0.0013%; no homozygotes.

Submission:

Labcorp Genetics (formerly Invitae), Labcorp
Classification: Uncertain significance for 2-aminoadipic 2-oxoadipic aciduria. Last evaluated: 2022-12-31. Review status: criteria provided, single submitter. Criteria: Invitae Variant Classification Sherloc (09022015). Collection method: clinical testing. Allele origin: germline.
Comment: This variant has not been reported in the literature in individuals affected with DHTKD1-related conditions. This variant is not present in population databases (gnomAD no frequency). This sequence change replaces leucine, which is neutral and non-polar, with proline, which is neutral and non-polar, at codon 816 of the DHTKD1 protein (p.Leu816Pro). Advanced modeling of protein sequence and biophysical properties (such as structural, functional, and spatial information, amino acid conservation, physicochemical variation, residue mobility, and thermodynamic stability) performed at Invitae indicates that this missense variant is expected to disrupt DHTKD1 protein function. In summary, the available evidence is currently insufficient to determine the role of this variant in disease. Therefore, it has been classified as a Variant of Uncertain Significance.